The following is an entry in ClinVar:

ClinVar aggregate classification (germline): Uncertain significance (1 of 4 stars; one submission).

Submission:

GeneDx
Classification: Uncertain significance. Last evaluated: 2024-10-31. Review status: criteria provided, single submitter. Criteria: GeneDx Variant Classification Process June 2021. Collection method: clinical testing. Allele origin: germline. Affected: yes.
Comment: Not observed at significant frequency in large population cohorts (gnomAD); In silico analysis indicates that this missense variant does not alter protein structure/function; Has not been previously published as pathogenic or benign to our knowledge

NM_017649.5(CNNM2):c.301G>A (p.Val101Ile)

Gene: CNNM2 (cyclin and CBS domain divalent metal cation transport mediator 2; plus strand). Cytogenetic location: 10q24.32.
Variant type: single nucleotide variant.
Coding change: c.301G>A on transcript NM_017649.5 (MANE Select); coding-DNA position 301, G replaced by A.
Protein change: p.Val101Ile; replaces valine 101 with isoleucine.
Molecular consequence: missense variant.
Genome position (GRCh38, 1-based): chr10:102,918,781, G>A. VCF-style: chr10-102918781-G-A. GRCh37 (hg19) VCF-style: chr10-104678538-G-A.
Other names: c.301G>A, p.Val101Ile (NM_199076.3, NM_199077.3); short protein forms V101I.
Identifiers: ClinVar variation 3897418 (VCV003897418.1).